The following is an entry in ClinVar:

ClinVar aggregate classification (germline): Conflicting classifications of pathogenicity. Review status: criteria provided, conflicting classifications (1 of 4 stars). 9 submissions from 9 submitters: Uncertain significance (1); Benign (1); Likely benign (5). 2 of the submissions do not count toward it. Last evaluated 2025-12-24.

Conditions:
Spastic paraplegia. Identifiers: MedGen C0037772, HP:0001258.
Hereditary spastic paraplegia. Also called: Familial spastic paraparesis. Identifiers: Orphanet 685, MedGen C0037773, MONDO:0019064. Disease mechanism: loss of function.
Hereditary spastic paraplegia 15 (SPG15). Also called: KJELLIN SYNDROME; SPASTIC PARAPLEGIA 15, AUTOSOMAL RECESSIVE; SPASTIC PARAPLEGIA AND RETINAL DEGENERATION. Identifiers: Orphanet 100996, MedGen C1849128, MONDO:0010044, OMIM 270700.

Allele frequency attached by ClinVar (database versions not stated): ESP Exome Variant Server 0.00046; TOPMed 0.00061; gnomAD exomes 0.00096; gnomAD 0.00103 and 0.00105; ExAC 0.00106.
gnomAD v4.1: 1,406 of 1,614,144 alleles (0.087%); highest among the groups gnomAD compares: South Asian, 0.12%; 1 homozygote.

Submissions (9):

Labcorp Genetics (formerly Invitae), Labcorp
Classification: Benign for Spastic paraplegia. Last evaluated: 2025-12-24. Review status: criteria provided, single submitter. Criteria: Invitae Variant Classification Sherloc (09022015). Collection method: clinical testing. Allele origin: germline.

CeGaT Center for Human Genetics Tuebingen
Classification: Likely benign. Last evaluated: 2025-02-01. Review status: criteria provided, single submitter. Criteria: CeGaT Center For Human Genetics Tuebingen Variant Classification Criteria Version 2. Collection method: clinical testing. Allele origin: germline. Affected: yes. Observed: 4 variant alleles.
Comment: ZFYVE26: BP4, BP7

Mayo Clinic Laboratories, Mayo Clinic
Classification: Likely benign. Last evaluated: 2024-12-10. Review status: criteria provided, single submitter. Criteria: ACMG Guidelines, 2015. Collection method: clinical testing. Allele origin: germline. Observed: 4 variant alleles.
Comment: BS1, BP4

Blueprint Genetics
Classification: Likely benign. Last evaluated: 2024-11-21. Review status: criteria provided, single submitter. Criteria: ACMG Guidelines, 2015. Collection method: clinical testing. Allele origin: germline.

Genome Diagnostics Laboratory, The Hospital for Sick Children
Classification: Likely benign for Hereditary spastic paraplegia. Last evaluated: 2021-04-01. Review status: criteria provided, single submitter. Criteria: ACMG Guidelines, 2015. Collection method: clinical testing. Allele origin: germline. Affected: yes.

GeneDx
Classification: Likely benign. Last evaluated: 2019-03-22. Review status: criteria provided, single submitter. Criteria: GeneDx Variant Classification Process June 2021. Collection method: clinical testing. Allele origin: germline. Affected: yes.

Illumina Laboratory Services, Illumina
Classification: Uncertain significance for Hereditary spastic paraplegia 15. Last evaluated: 2018-01-13. Review status: criteria provided, single submitter. Criteria: ICSL Variant Classification Criteria 13 December 2019. Collection method: clinical testing. Allele origin: germline.

Clinical Genetics DNA and cytogenetics Diagnostics Lab, Erasmus MC, Erasmus Medical Center
Classification: Likely benign. Review status: no assertion criteria provided. Collection method: clinical testing. Allele origin: germline. Affected: yes. Study: VKGL Data-share Consensus. Not counted in ClinVar's aggregate classification.

Joint Genome Diagnostic Labs from Nijmegen and Maastricht, Radboudumc and MUMC+
Classification: Likely benign. Review status: no assertion criteria provided. Collection method: clinical testing. Allele origin: germline. Affected: yes. Study: VKGL Data-share Consensus. Not counted in ClinVar's aggregate classification.

NM_015346.4(ZFYVE26):c.4734C>T (p.Ile1578=)

Gene: ZFYVE26 (zinc finger FYVE-type containing 26; minus strand). Cytogenetic location: 14q24.1.
Variant type: single nucleotide variant.
Coding change: c.4734C>T on transcript NM_015346.4 (MANE Select); coding-DNA position 4734, C replaced by T.
Protein change: p.Ile1578=; no amino-acid change (isoleucine 1578 retained).
Molecular consequence: synonymous variant.
Genome position (GRCh38, 1-based): chr14:67,778,189, G>A on the plus strand (C>T on the coding strand, the complement: ZFYVE26 is on the minus strand). VCF-style: chr14-67778189-G-A. GRCh37 (hg19) VCF-style: chr14-68244906-G-A.
Other names: p.Ile1578=.
Identifiers: ClinVar variation 215519 (VCV000215519.57), dbSNP rs200243306, ClinGen allele CA338345.